The following is an entry in ClinVar:

NC_000009.12:g.35658032CACAGAGTAGTATT[3]

Gene: RMRP (RNA component of mitochondrial RNA processing endoribonuclease; minus strand). Cytogenetic location: 9p13.3.
Variant type: Microsatellite.
Genome position: GRCh38 VCF-style: chr9-35658029-C-CTTCACAGAGTAGTATTCACAGAGTAGTA. GRCh37 (hg19) VCF-style: chr9-35658026-C-CTTCACAGAGTAGTATTCACAGAGTAGTA.
Identifiers: ClinVar variation 2800041 (VCV002800041.3), dbSNP rs1554651499, ClinGen allele CA2689879511.
Genomic context (GRCh38, chr9:35,658,029, plus strand): 5'-GAACAGAGTCCTCAGTGTGTAGCCTAGGATACAGGCCTTCAGCACGAACCACGTCCTCAG[C>CTTCACAGAGTAGTATTCACAGAGTAGTA]TTCACAGAGTAGTATTTTATAGCCCTAAAGAAATTGTGTTTTATGATTAGGGTGAGAAAG-3'

ClinVar aggregate classification (germline): Pathogenic (1 of 4 stars; one submission).

Conditions:
Anauxetic dysplasia. Identifiers: Orphanet 93347, MedGen C1846796, MONDO:0011773.

Submission:

Labcorp Genetics (formerly Invitae), Labcorp
Classification: Pathogenic for Anauxetic dysplasia. Last evaluated: 2023-12-13. Review status: criteria provided, single submitter. Criteria: Invitae Variant Classification Sherloc (09022015). Collection method: clinical testing. Allele origin: germline.
Comment: This variant occurs in the RMRP gene, which encodes an RNA molecule that does not result in a protein product. This variant is not present in population databases (gnomAD no frequency). While this particular variant has not been reported in the literature, it is located in the promoter region between the TATA box and the transcription initiation site, and other insertions and duplications immediately upstream of the coding sequence have been reported in individuals affected with cartilage-hair hypoplasia-anauxetic dysplasia (CHH-AD) spectrum disorders (PMID: 16244706, 11207361, 12107819). While functional studies for this variant have not been reported, experimental analyses using patient derived cells, as well as in vitro transfection studies, have shown that promoter insertions result in silencing of RMRP transcription and reduced expression of the gene product (PMID: 11207361, 16254002). For these reasons, this variant has been classified as Pathogenic.

Literature cited by the submitters: PubMed 16244706; PubMed 11207361; PubMed 12107819; PubMed 16254002.